The following is an entry in ClinVar:

NM_001368894.2(PAX6):c.76del (p.Arg26fs)

Gene: PAX6 (paired box 6; minus strand). Cytogenetic location: 11p13.
Variant type: Deletion.
Coding change: c.76del on transcript NM_001368894.2 (MANE Select); coding-DNA position 76, one base deleted (C; older notation c.76delC).
Protein change: p.Arg26fs; shifts the reading frame from arginine 26.
Molecular consequence: frameshift variant. On other transcripts: 5 prime UTR variant (12), non-coding transcript variant (2), intron variant (2).
Genome position (GRCh38, 1-based): chr11:31,802,769, G deleted on the plus strand (C on the coding strand, the reverse complement: PAX6 is on the minus strand); the first of 3 consecutive G bases (chr11:31,802,769-31,802,771); deleting any one gives the same sequence. VCF-style (leftmost placement, unchanged base first): chr11-31802768-CG-C. GRCh37 (hg19) VCF-style: chr11-31824316-CG-C.
Other names: c.76del, p.Arg26fs (NM_000280.6, NM_001127612.3, NM_001258462.3 and 30 more transcripts); c.-706del (NM_001310160.2, NM_001368905.2); c.-333del (NM_001368901.2, NM_001368906.2, NM_001368907.2 and 1 more transcripts); c.-664del (NM_001368902.2); c.-375del (NM_001368903.2, NM_001368908.2, NM_001368929.2 and 2 more transcripts); c.319del, p.Arg107fs (NM_001368910.2); c.79del, p.Arg27fs (NM_001368911.2); c.-267-993del (NM_001368909.2, NM_001368904.2); short protein forms R107fs, R26fs, R27fs.
Identifiers: ClinVar variation 4871860 (VCV004871860.1).

ClinVar aggregate classification (germline): Pathogenic (1 of 4 stars; one submission).

Conditions:
Aniridia 1 (AN1). Identifiers: Orphanet 250923, MedGen C0344542, MONDO:0024507, OMIM 106210.

Submission:

Department of Ophthalmology, Graduate School of Medicine, The University of Osaka
Classification: Pathogenic for Aniridia 1. Last evaluated: 2026-07-08. Review status: criteria provided, single submitter. Criteria: ACMG Guidelines, 2015. Collection method: clinical testing. Allele origin: germline. Affected: yes. Observed: 1 variant allele.
Comment: This variant introduces a premature termination codon, predicted to result in nonsense-mediated mRNA decay and loss of function of PAX6 (PVS1).